The following is an entry in ClinVar:

ClinVar aggregate classification (germline): Uncertain significance (1 of 4 stars; one submission).

Allele frequency attached by ClinVar (database versions not stated): gnomAD 0.00002; TOPMed 0.00002.

Submission:

Labcorp Genetics (formerly Invitae), Labcorp
Classification: Uncertain significance. Last evaluated: 2023-03-14. Review status: criteria provided, single submitter. Criteria: Invitae Variant Classification Sherloc (09022015). Collection method: clinical testing. Allele origin: germline.
Comment: In summary, the available evidence is currently insufficient to determine the role of this variant in disease. Therefore, it has been classified as a Variant of Uncertain Significance. Advanced modeling of protein sequence and biophysical properties (such as structural, functional, and spatial information, amino acid conservation, physicochemical variation, residue mobility, and thermodynamic stability) performed at Invitae indicates that this missense variant is not expected to disrupt NEFH protein function. ClinVar contains an entry for this variant (Variation ID: 1381563). This variant has not been reported in the literature in individuals affected with NEFH-related conditions. This variant is present in population databases (no rsID available, gnomAD 0.01%). This sequence change replaces glutamic acid, which is acidic and polar, with alanine, which is neutral and non-polar, at codon 557 of the NEFH protein (p.Glu557Ala).

NM_021076.4(NEFH):c.1670A>C (p.Glu557Ala)

Gene: NEFH (neurofilament heavy chain; plus strand). Cytogenetic location: 22q12.2.
Variant type: single nucleotide variant.
Coding change: c.1670A>C on transcript NM_021076.4 (MANE Select); coding-DNA position 1670, A replaced by C.
Protein change: p.Glu557Ala; replaces glutamic acid 557 with alanine.
Molecular consequence: missense variant.
Genome position (GRCh38, 1-based): chr22:29,489,310, A>C. VCF-style: chr22-29489310-A-C. GRCh37 (hg19) VCF-style: chr22-29885299-A-C.
Other names: short protein forms E557A.
Identifiers: ClinVar variation 1381563 (VCV001381563.6), dbSNP rs1326677405, ClinGen allele CA411131277.